The following is an entry in ClinVar:

NM_006790.3(MYOT):c.-251A>G

Genes: PKD2L2-DT (PKD2L2 divergent transcript; minus strand), MYOT (myotilin; plus strand). Cytogenetic location: 5q31.2.
Variant type: single nucleotide variant.
Coding change: c.-251A>G on transcript NM_006790.3 (MANE Select); 251 bases upstream of the start codon, A replaced by G.
Molecular consequence: 5 prime UTR variant.
Genome position (GRCh38, 1-based): chr5:137,867,914, A>G. VCF-style: chr5-137867914-A-G. GRCh37 (hg19) VCF-style: chr5-137203603-A-G.
Other names: c.-321A>G (NM_001135940.2); c.-245A>G (NM_001300911.2).
Identifiers: ClinVar variation 351018 (VCV000351018.9), dbSNP rs6863775, ClinGen allele CA10619097.

ClinVar aggregate classification (germline): Benign. Review status: criteria provided, multiple submitters, no conflicts (2 of 4 stars). 2 submissions from 2 submitters: Benign (2). Last evaluated 2020-05-29.

Conditions:
Myofibrillar myopathy 3 (MFM3). Also called: Muscular dystrophy, proximal, type 1A; Autosomal dominant spheroid body myopathy. Identifiers: Orphanet 266, Orphanet 268129, MedGen C3714934, MONDO:0012215, OMIM 609200.

Allele frequency attached by ClinVar (database versions not stated): gnomAD 0.01797 and 0.01894; TOPMed 0.02068; 1000 Genomes Project 0.02576; 1000 Genomes Project 30x 0.02811.

Submissions (2):

GeneDx
Classification: Benign. Last evaluated: 2020-05-29. Review status: criteria provided, single submitter. Criteria: GeneDx Variant Classification Process June 2021. Collection method: clinical testing. Allele origin: germline. Affected: yes.

Illumina Laboratory Services, Illumina
Classification: Benign for Myofibrillar myopathy 3. Last evaluated: 2018-01-13. Review status: criteria provided, single submitter. Criteria: ICSL Variant Classification Criteria 13 December 2019. Collection method: clinical testing. Allele origin: germline.
Comment: This variant was observed in the ICSL laboratory as part of a predisposition screen in an ostensibly healthy population. It had not been previously curated by ICSL or reported in the Human Gene Mutation Database (HGMD: prior to June 1st, 2018), and was therefore a candidate for classification through an automated scoring system. Utilizing variant allele frequency, disease prevalence and penetrance estimates, and inheritance mode, an automated score was calculated to assess if this variant is too frequent to cause the disease. Based on the score and internal cut-off values, a variant classified as benign is not then subjected to further curation. The score for this variant resulted in a classification of benign for this disease.